The following is an entry in ClinVar:

NM_001365536.1(SCN9A):c.2002del (p.Arg668fs)

Genes: SCN1A-AS1 (SCN1A and SCN9A antisense RNA 1; plus strand), SCN9A (sodium voltage-gated channel alpha subunit 9; minus strand). Cytogenetic location: 2q24.3.
Variant type: Deletion.
Coding change: c.2002del on transcript NM_001365536.1 (MANE Select); coding-DNA position 2002, one base deleted (A; older notation c.2002delA).
Protein change: p.Arg668fs; shifts the reading frame from arginine 668.
Molecular consequence: frameshift variant.
Genome position (GRCh38, 1-based): chr2:166,281,781, T deleted on the plus strand (A on the coding strand, the reverse complement: SCN9A is on the minus strand); the first of 4 consecutive T bases (chr2:166,281,781-166,281,784); deleting any one gives the same sequence. VCF-style (leftmost placement, unchanged base first): chr2-166281780-CT-C. GRCh37 (hg19) VCF-style: chr2-167138290-CT-C.
Other names: c.1966delA, p.Arg657Glyfs (NM_002977.4); short protein forms R657fs, R668fs.
Identifiers: ClinVar variation 2665000 (VCV002665000.3), dbSNP rs2468024864, ClinGen allele CA2661767905.
Genomic context (GRCh38, chr2:166,281,780, plus strand): 5'-CTCTGTCTGAGGTTGGGATCATTCAGCATATCCTCTGAAAGGAGATAGGAACTACAACGC[CT>C]TTTCTTGTGTATTTGATTGGTCGTGCCCTAAAAAAAAAATCAATTAATGTCTTAAGAACA-3'

ClinVar aggregate classification (germline): Likely pathogenic (1 of 4 stars; one submission).

Conditions:
Channelopathy-associated congenital insensitivity to pain, autosomal recessive. Also called: Insensitivity to pain, channelopathy-associated; ASYMBOLIA FOR PAIN; CONGENITAL ANALGESIA, AUTOSOMAL RECESSIVE. Identifiers: Orphanet 88642, Orphanet 970, MedGen C1855739, MONDO:0009459, OMIM 243000.

Submission:

Institute of Human Genetics, University of Leipzig Medical Center
Classification: Likely pathogenic for Channelopathy-associated congenital insensitivity to pain, autosomal recessive. Last evaluated: 2023-11-20. Review status: criteria provided, single submitter. Criteria: ACMG Guidelines, 2015. Collection method: clinical testing. Allele origin: maternal. Inheritance: Autosomal recessive inheritance. Affected: yes.
Comment: Criteria applied: PVS1,PM2_SUP